The following is an entry in ClinVar:

ClinVar aggregate classification (germline): Conflicting classifications of pathogenicity. Review status: criteria provided, conflicting classifications (1 of 4 stars). 7 submissions from 7 submitters: Likely pathogenic (2); Uncertain significance (3). 2 of the submissions do not count toward it. Last evaluated 2026-02-17.

Conditions:
Gm2-gangliosidosis, late onset.
Tay-Sachs disease (TSD). Also called: GM2 gangliosidosis, type 1; Hexosaminidase alpha-subunit deficiency (variant B); Sphingolipidosis, Tay-Sachs; Hexosaminidase A Deficiency; HEXA Disorders; HEXA DEFICIENCY. Identifiers: Orphanet 845, MedGen C0039373, MONDO:0010100, OMIM 272800.

Allele frequency attached by ClinVar (database versions not stated): gnomAD exomes below 0.00001; TOPMed below 0.00001; ExAC 0.00001.
gnomAD v4.1: 5 of 1,608,998 alleles (0.00031%); highest among the groups gnomAD compares: Non-Finnish European, 0.00043%; no homozygotes.

Submissions (7):

Myriad Genetics, Inc.
Classification: Uncertain significance for Tay-Sachs disease. Last evaluated: 2026-02-17. Review status: criteria provided, single submitter. Criteria: Myriad Autosomal Dominant, Autosomal Recessive and X-Linked Classification Criteria (2023). Collection method: clinical testing. Allele origin: unknown.
Comment: NM_000520.4(HEXA):c.590A>C(K197T) is a missense variant classified as a variant of uncertain significance in the context of hexosaminidase A deficiency. K197T has been observed in a case with relevant disease (PMID: 8490625). Relevant functional assessments of this variant are available in the literature (PMID: 8490625). K197T has been observed in referenced population frequency databases. In summary, there is insufficient evidence to classify NM_000520.4(HEXA):c.590A>C(K197T) as pathogenic or benign. Please note: this variant was assessed in the context of healthy population screening.

CeGaT Center for Human Genetics Tuebingen
Classification: Likely pathogenic. Last evaluated: 2022-03-01. Review status: criteria provided, single submitter. Criteria: CeGaT Center For Human Genetics Tuebingen Variant Classification Criteria Version 2. Collection method: clinical testing. Allele origin: germline. Affected: yes. Observed: 1 variant allele.
Comment: HEXA: PM3:Strong, PM2, PP3, PP4

Women's Health and Genetics/Laboratory Corporation of America, LabCorp
Classification: Uncertain significance. Last evaluated: 2021-11-28. Review status: criteria provided, single submitter. Criteria: LabCorp Variant Classification Summary - May 2015. Collection method: clinical testing. Allele origin: germline.
Comment: Variant summary: HEXA c.590A>C (p.Lys197Thr) results in a non-conservative amino acid change located in the Glycoside hydrolase family 20, catalytic domain (IPR015883) of the encoded protein sequence. Five of five in-silico tools predict a damaging effect of the variant on protein function. The variant allele was found at a frequency of 4e-06 in 251472 control chromosomes. The available data on variant occurrences in the general population are insufficient to allow any conclusion about variant significance. c.590A>C has been reported in the literature as a compound heterozygous genotype in at-least one individual affected with adult onset Tay-Sachs Disease who has been subsequently cited by others (example, Akli_1993). To our knowledge, no variant specific experimental evidence demonstrating an impact on protein function has been reported. Two clinical diagnostic laboratories have submitted clinical-significance assessments for this variant to ClinVar after 2014 without evidence for independent evaluation. One laboratory classified the variant as likely pathogenic, and one laboratory classified the variant as uncertain significance. Based on the evidence outlined above, the variant was classified as VUS-possibly pathogenic.

Labcorp Genetics (formerly Invitae), Labcorp
Classification: Uncertain significance for Tay-Sachs disease. Last evaluated: 2021-10-16. Review status: criteria provided, single submitter. Criteria: Invitae Variant Classification Sherloc (09022015). Collection method: clinical testing. Allele origin: germline.
Comment: This sequence change replaces lysine with threonine at codon 197 of the HEXA protein (p.Lys197Thr). The lysine residue is highly conserved and there is a moderate physicochemical difference between lysine and threonine. This variant is present in population databases (rs121907973, ExAC 0.001%). This variant has been observed in individual(s) with Tay-Sachs disease (PMID: 8490625). ClinVar contains an entry for this variant (Variation ID: 3927). Algorithms developed to predict the effect of missense changes on protein structure and function (SIFT, PolyPhen-2, Align-GVGD) all suggest that this variant is likely to be disruptive. Studies have shown that this variant does not significantly alter or has an unclear effect on HEXA gene expression (PMID: 8490625). In summary, the available evidence is currently insufficient to determine the role of this variant in disease. Therefore, it has been classified as a Variant of Uncertain Significance.

Mayo Clinic Laboratories, Mayo Clinic
Classification: Likely pathogenic. Last evaluated: 2019-04-23. Review status: criteria provided, single submitter. Criteria: ACMG Guidelines, 2015. Collection method: clinical testing. Allele origin: germline. Observed: 3 variant alleles.
Comment: PS3, PM2, PM3, PP3

Counsyl
Classification: Uncertain significance for Tay-Sachs disease. Last evaluated: 2018-05-16. Review status: no assertion criteria provided. Collection method: clinical testing. Allele origin: unknown. Not counted in ClinVar's aggregate classification.

OMIM
Classification: Pathogenic for GM2-GANGLIOSIDOSIS, LATE ONSET. Last evaluated: 1993-01-01. Review status: no assertion criteria provided. Collection method: literature only. Allele origin: germline. Not counted in ClinVar's aggregate classification.

Literature cited by the submitters: PubMed 8490625 (cited by 6 submitters); PubMed 31367523 (cited by Women's Health and Genetics/Laboratory Corporation of America, LabCorp); PubMed 14724290 (cited by Women's Health and Genetics/Laboratory Corporation of America, LabCorp); PubMed 9090523 (cited by Mayo Clinic Laboratories, Mayo Clinic).

NM_000520.6(HEXA):c.590A>C (p.Lys197Thr)

Gene: HEXA (hexosaminidase subunit alpha; minus strand). Cytogenetic location: 15q23.
Variant type: single nucleotide variant.
Coding change: c.590A>C on transcript NM_000520.6 (MANE Select); coding-DNA position 590, A replaced by C.
Protein change: p.Lys197Thr; replaces lysine 197 with threonine.
Molecular consequence: missense variant. On other transcripts: non-coding transcript variant (1).
Genome position (GRCh38, 1-based): chr15:72,351,215, T>G on the plus strand (A>C on the coding strand, the complement: HEXA is on the minus strand). VCF-style: chr15-72351215-T-G. GRCh37 (hg19) VCF-style: chr15-72643556-T-G.
Other names: c.623A>C, p.Lys208Thr (NM_001318825.2); short protein forms K197T, K208T.
Identifiers: ClinVar variation 3927 (VCV000003927.44), dbSNP rs121907973, ClinGen allele CA116510.